The following is an entry in ClinVar:

ClinVar aggregate classification (germline): Conflicting classifications of pathogenicity. Review status: criteria provided, conflicting classifications (1 of 4 stars). 4 submissions from 4 submitters: Uncertain significance (1); Benign (2); Likely benign (1). Last evaluated 2026-01-18.

Conditions:
Inborn genetic diseases. Identifiers: MedGen C0950123, MeSH D030342.
SLC12A2-related disorder. Also called: SLC12A2-related condition; SLC12A2-related disorders.

Allele frequency attached by ClinVar (database versions not stated): gnomAD 0.00005; TOPMed 0.00009; ExAC 0.00013; gnomAD exomes 0.00013.
gnomAD v4.1: 89 of 1,605,694 alleles (0.0055%); highest among the groups gnomAD compares: Admixed American, 0.14%; no homozygotes.

Submissions (4):

Labcorp Genetics (formerly Invitae), Labcorp
Classification: Benign. Last evaluated: 2026-01-18. Review status: criteria provided, single submitter. Criteria: Invitae Variant Classification Sherloc (09022015). Collection method: clinical testing. Allele origin: germline.

PreventionGenetics, part of Exact Sciences
Classification: Likely benign for SLC12A2-related condition. Last evaluated: 2025-05-07. Review status: criteria provided, single submitter. Criteria: ACMG Guidelines, 2015. Collection method: clinical testing. Allele origin: germline.
Comment: This variant is classified as likely benign based on ACMG/AMP sequence variant interpretation guidelines (Richards et al. 2015 PMID: 25741868, with internal and published modifications).

CeGaT Center for Human Genetics Tuebingen
Classification: Benign. Last evaluated: 2025-04-01. Review status: criteria provided, single submitter. Criteria: CeGaT Center For Human Genetics Tuebingen Variant Classification Criteria Version 2. Collection method: clinical testing. Allele origin: germline. Affected: yes. Observed: 1 variant allele.
Comment: SLC12A2: BP4, BS1, BS2

Ambry Genetics
Classification: Uncertain significance for Inborn genetic diseases. Last evaluated: 2021-06-21. Review status: criteria provided, single submitter. Criteria: Ambry Variant Classification Scheme 2023. Collection method: clinical testing. Allele origin: germline.

NM_001046.3(SLC12A2):c.2897A>T (p.Lys966Ile)

Gene: SLC12A2 (solute carrier family 12 member 2; plus strand). Cytogenetic location: 5q23.3.
Variant type: single nucleotide variant.
Coding change: c.2897A>T on transcript NM_001046.3 (MANE Select); coding-DNA position 2897, A replaced by T.
Protein change: p.Lys966Ile; replaces lysine 966 with isoleucine.
Molecular consequence: missense variant. On other transcripts: non-coding transcript variant (1).
Genome position (GRCh38, 1-based): chr5:128,174,634, A>T. VCF-style: chr5-128174634-A-T. GRCh37 (hg19) VCF-style: chr5-127510326-A-T.
Other names: c.2897A>T, p.Lys966Ile (NM_001256461.2); short protein forms K966I.
Identifiers: ClinVar variation 2044777 (VCV002044777.16), dbSNP rs770832467, ClinGen allele CA3393504.
Genomic context (GRCh38, chr5:128,174,634, plus strand): 5'-GCACCAAGGATGTGGTAGTAAGTGTGGAATATAGTAAAAAGTCCGATTTAGATACTTCCA[A>T]ACCACTCAGTGAAAAACCAATTACACACAAAGGTAATTTTCATTCAAACAATAAGTCTTA-3'
Protein context (NP_001037.1, residues 956-976): YSKKSDLDTS[Lys966Ile]PLSEKPITHK